The following is an entry in ClinVar:

NM_002382.5(MAX):c.322A>G (p.Ser108Gly)

Gene: MAX (MYC associated transcriptional regulator X; minus strand). Cytogenetic location: 14q23.3.
Variant type: single nucleotide variant.
Coding change: c.322A>G on transcript NM_002382.5 (MANE Select); coding-DNA position 322, A replaced by G.
Protein change: p.Ser108Gly; replaces serine 108 with glycine.
Molecular consequence: missense variant. On other transcripts: 3 prime UTR variant (12), non-coding transcript variant (7), intron variant (2).
Genome position (GRCh38, 1-based): chr14:65,076,637, T>C on the plus strand (A>G on the coding strand, the complement: MAX is on the minus strand). VCF-style: chr14-65076637-T-C. GRCh37 (hg19) VCF-style: chr14-65543355-T-C.
Other names: c.133A>G, p.Ser45Gly (NM_001407105.1, NM_001407106.1, NM_001407107.1 and 1 more transcripts); c.*95A>G (NM_001407108.1, NM_001407096.1, NM_001407099.1 and 2 more transcripts); c.*111A>G (NM_001407109.1, NM_001407110.1, NM_145113.3 and 4 more transcripts); c.121A>G, p.Ser41Gly (NM_001407111.1, NM_001407112.1); c.295A>G, p.Ser99Gly (NM_145112.3, NM_001407095.1); c.144+17071A>G (NM_001271069.2); c.171+17071A>G (NM_197957.4); c.322A>G, p.Ser108Gly (NM_001407094.1); and 1 more; short protein forms S108G, S41G, S99G, S45G, S72G.
Identifiers: ClinVar variation 5023989 (VCV005023989.1).

ClinVar aggregate classification (germline): Uncertain significance (1 of 4 stars; one submission).

Conditions:
Hereditary cancer-predisposing syndrome. Also called: Neoplastic Syndromes, Hereditary; Tumor predisposition; Hereditary neoplastic syndrome; Hereditary Cancer Syndrome. Identifiers: Orphanet 140162, MedGen C0027672, MeSH D009386, MONDO:0015356.

Submission:

Ambry Genetics
Classification: Uncertain significance for Hereditary cancer-predisposing syndrome. Last evaluated: 2026-09-04. Review status: criteria provided, single submitter. Criteria: Ambry Variant Classification Scheme 2023. Collection method: clinical testing. Allele origin: germline.
Comment: The p.S108G variant (also known as c.322A>G), located in coding exon 5 of the MAX gene, results from an A to G substitution at nucleotide position 322. The serine at codon 108 is replaced by glycine, an amino acid with similar properties. This amino acid position is well conserved in available vertebrate species. In addition, the in silico prediction for this alteration is inconclusive. Based on the available evidence, the clinical significance of this variant remains unclear.